The following is an entry in ClinVar:

NM_001482.3(GATM):c.979-1_979insT

Gene: GATM (glycine amidinotransferase; minus strand). Cytogenetic location: 15q21.1.
Variant type: Insertion.
Coding change: c.979-1_979insT on transcript NM_001482.3 (MANE Select); the canonical splice acceptor site of the intron before coding-DNA position 979 through coding-DNA position 979, T inserted.
Molecular consequence: splice acceptor variant.
Genome position: GRCh38 VCF-style: chr15-45364860-T-TA. GRCh37 (hg19) VCF-style: chr15-45657058-T-TA.
Other names: c.592-1_592insT (NM_001321015.2).
Identifiers: ClinVar variation 2709887 (VCV002709887.3), dbSNP rs2541986290, ClinGen allele CA2697549027.
Genomic context (GRCh38, chr15:45,364,860, plus strand): 5'-CTGGGATGATTGGTGTTGGAGGAGTAATGATAGTCCATCCTGCTTTCTTGAAAAGATCAA[T>TA]CTGTAAGACCAAAAAAAACCCCCAAAACCGTTAAATCTACATATACTATTATTATTATTA-3'

ClinVar aggregate classification (germline): Likely pathogenic (1 of 4 stars; one submission).

Conditions:
Arginine:glycine amidinotransferase deficiency (CCDS3). Also called: Cerebral creatine deficiency syndrome 3; AGAT deficiency; L-Arginine:Glycine Amidinotransferase Deficiency; Creatine deficiency syndrome due to AGAT deficiency; GATM deficiency; L-Arginine:Glycine Amidinotransferase (AGAT) Deficiency. Identifiers: Orphanet 35704, MedGen C2675179, MONDO:0012996, OMIM 612718.

Submission:

Labcorp Genetics (formerly Invitae), Labcorp
Classification: Likely pathogenic for Arginine:glycine amidinotransferase deficiency. Last evaluated: 2024-01-17. Review status: criteria provided, single submitter. Criteria: Invitae Variant Classification Sherloc (09022015). Collection method: clinical testing. Allele origin: germline.
Comment: This sequence change affects a splice site in intron 6 of the GATM gene. It is expected to disrupt RNA splicing. Variants that disrupt the donor or acceptor splice site typically lead to a loss of protein function (PMID: 16199547), and loss-of-function variants in GATM are known to be pathogenic (PMID: 11555793). This variant is not present in population databases (gnomAD no frequency). This variant has not been reported in the literature in individuals affected with GATM-related conditions. In summary, the currently available evidence indicates that the variant is pathogenic, but additional data are needed to prove that conclusively. Therefore, this variant has been classified as Likely Pathogenic.

Literature cited by the submitters: PubMed 16199547; PubMed 11555793.